The following is an entry in ClinVar:

NM_000256.3(MYBPC3):c.3659A>C (p.Asp1220Ala)

Gene: MYBPC3 (myosin binding protein C3; minus strand). Cytogenetic location: 11p11.2.
Variant type: single nucleotide variant.
Coding change: c.3659A>C on transcript NM_000256.3 (MANE Select); coding-DNA position 3659, A replaced by C.
Protein change: p.Asp1220Ala; replaces aspartic acid 1220 with alanine.
Molecular consequence: missense variant.
Genome position (GRCh38, 1-based): chr11:47,332,227, T>G on the plus strand (A>C on the coding strand, the complement: MYBPC3 is on the minus strand). VCF-style: chr11-47332227-T-G. GRCh37 (hg19) VCF-style: chr11-47353778-T-G.
Other names: short protein forms D1220A.
Identifiers: ClinVar variation 1996127 (VCV001996127.4), dbSNP rs2495736614, ClinGen allele CA380311723.

ClinVar aggregate classification (germline): Uncertain significance (1 of 4 stars; one submission).

Conditions:
Hypertrophic cardiomyopathy. Also called: HYPERTROPHIC MYOCARDIOPATHY. Identifiers: Orphanet 217569, MedGen C0007194, MeSH D002312, MONDO:0005045, HP:0001639.

Submission:

Labcorp Genetics (formerly Invitae), Labcorp
Classification: Uncertain significance for Hypertrophic cardiomyopathy. Last evaluated: 2022-05-18. Review status: criteria provided, single submitter. Criteria: Invitae Variant Classification Sherloc (09022015). Collection method: clinical testing. Allele origin: germline.
Comment: This variant has not been reported in the literature in individuals affected with MYBPC3-related conditions. Algorithms developed to predict the effect of missense changes on protein structure and function (SIFT, PolyPhen-2, Align-GVGD) all suggest that this variant is likely to be disruptive. In summary, the available evidence is currently insufficient to determine the role of this variant in disease. Therefore, it has been classified as a Variant of Uncertain Significance. This variant is not present in population databases (gnomAD no frequency). This sequence change replaces aspartic acid, which is acidic and polar, with alanine, which is neutral and non-polar, at codon 1220 of the MYBPC3 protein (p.Asp1220Ala).